The following is an entry in ClinVar:

ClinVar aggregate classification (germline): Benign (1 of 4 stars; one submission).

Submission:

GeneDx
Classification: Benign. Last evaluated: 2018-06-14. Review status: criteria provided, single submitter. Criteria: GeneDx Variant Classification (06012015). Collection method: clinical testing. Allele origin: germline. Affected: yes.
Comment: This variant is considered likely benign or benign based on one or more of the following criteria: it is a conservative change, it occurs at a poorly conserved position in the protein, it is predicted to be benign by multiple in silico algorithms, and/or has population frequency not consistent with disease.

NM_004239.4(TRIP11):c.5160+230del

Gene: TRIP11 (thyroid hormone receptor interactor 11; minus strand). Cytogenetic location: 14q32.12.
Variant type: Deletion.
Coding change: c.5160+230del on transcript NM_004239.4 (MANE Select); 230 bases into the intron after coding-DNA position 5160, one base deleted (T; older notation c.5160+230delT).
Molecular consequence: intron variant.
Genome position (GRCh38, 1-based): chr14:91,993,579, A deleted on the plus strand (T on the coding strand, the reverse complement: TRIP11 is on the minus strand); the first of 7 consecutive A bases (chr14:91,993,579-91,993,585); deleting any one gives the same sequence. VCF-style (leftmost placement, unchanged base first): chr14-91993578-CA-C. GRCh37 (hg19) VCF-style: chr14-92459922-CA-C.
Other names: c.5157+230del (NM_001321851.1).
Identifiers: ClinVar variation 667810 (VCV000667810.1), dbSNP rs11285699, ClinGen allele CA265599953.
Genomic context (GRCh38, chr14:91,993,578, plus strand): 5'-TAAATTATAGATTAATTTGGGTGTTTTTTCCCCGGAGACCTCTAAAATACCTCTATGTGC[CA>C]AAAAAATTTAAATGTCCTGTCATCTTACATTTGCCGTGTCTACTCTAAACTATGACACCT-3'